The following is an entry in ClinVar:

NM_030667.3(PTPRO):c.1434C>T (p.Ser478=)

Gene: PTPRO (protein tyrosine phosphatase receptor type O; plus strand). Cytogenetic location: 12p12.3.
Variant type: single nucleotide variant.
Coding change: c.1434C>T on transcript NM_030667.3 (MANE Select); coding-DNA position 1434, C replaced by T.
Protein change: p.Ser478=; no amino-acid change (serine 478 retained).
Molecular consequence: synonymous variant.
Genome position (GRCh38, 1-based): chr12:15,508,737, C>T. VCF-style: chr12-15508737-C-T. GRCh37 (hg19) VCF-style: chr12-15661671-C-T.
Other names: p.Ser478=; c.1434C>T, p.Ser478= (NM_002848.4).
Identifiers: ClinVar variation 4683735 (VCV004683735.1).

ClinVar aggregate classification (germline): Likely benign (1 of 4 stars; one submission).

gnomAD v4.1: 2 of 1,614,048 alleles (0.00012%); highest among the groups gnomAD compares: South Asian, 0.0011%; no homozygotes.

Submission:

Mayo Clinic Laboratories, Mayo Clinic
Classification: Likely benign. Last evaluated: 2025-10-31. Review status: criteria provided, single submitter. Criteria: ACMG Guidelines, 2015. Collection method: clinical testing. Allele origin: germline. Observed: 1 variant allele.
Comment: BP4, BP7